The following is an entry in ClinVar:

NM_007194.4(CHEK2):c.445-13T>G

Gene: CHEK2 (checkpoint kinase 2; minus strand). Cytogenetic location: 22q12.1.
Variant type: single nucleotide variant.
Coding change: c.445-13T>G on transcript NM_007194.4 (MANE Select); 13 bases into the intron before coding-DNA position 445, T replaced by G.
Molecular consequence: intron variant.
Genome position (GRCh38, 1-based): chr22:28,725,137, A>C on the plus strand (T>G on the coding strand, the complement: CHEK2 is on the minus strand). VCF-style: chr22-28725137-A-C. GRCh37 (hg19) VCF-style: chr22-29121125-A-C.
Other names: c.-219-13T>G (NM_001437942.1); c.444+106T>G (NM_001349956.3); c.445-13T>G (NM_145862.3); c.-333-13T>G (NM_001257387.3); c.538-13T>G (NM_001438295.1, NM_001438293.1); c.574-13T>G (NM_001438294.1, NM_001005735.3).
Identifiers: ClinVar variation 4715009 (VCV004715009.1).

ClinVar aggregate classification (germline): Uncertain significance (1 of 4 stars; one submission).

Conditions:
Familial cancer of breast. Also called: hereditary breast carcinoma; BREAST CANCER, FAMILIAL; Hereditary breast cancer. Identifiers: Orphanet 227535, MedGen C0346153, MONDO:0016419, OMIM 114480. Disease mechanism: loss of function.

Submission:

Labcorp Genetics (formerly Invitae), Labcorp
Classification: Uncertain significance for Familial cancer of breast. Last evaluated: 2025-07-31. Review status: criteria provided, single submitter. Criteria: Invitae Variant Classification Sherloc (09022015). Collection method: clinical testing. Allele origin: germline.
Comment: This sequence change falls in intron 3 of the CHEK2 gene. It does not directly change the encoded amino acid sequence of the CHEK2 protein. This variant is not present in population databases (gnomAD no frequency). This variant has not been reported in the literature in individuals affected with CHEK2-related conditions. Algorithms developed to predict the effect of sequence changes on RNA splicing suggest that this variant may disrupt the consensus splice site. In summary, the available evidence is currently insufficient to determine the role of this variant in disease. Therefore, it has been classified as a Variant of Uncertain Significance.